The following is an entry in ClinVar:

ClinVar aggregate classification (germline): Uncertain significance (1 of 4 stars; one submission).

Conditions:
Autosomal recessive limb-girdle muscular dystrophy type 2J (LGMDR10). Also called: Limb-girdle muscular dystrophy, type 2J; MUSCULAR DYSTROPHY, LIMB-GIRDLE, AUTOSOMAL RECESSIVE 10. Identifiers: Orphanet 140922, MedGen C1837342, MONDO:0012127, OMIM 608807.
Dilated cardiomyopathy 1G (CMD1G). Identifiers: Orphanet 154, MedGen C1858763, MONDO:0011400, OMIM 604145.

Allele frequency attached by ClinVar (database versions not stated): gnomAD exomes below 0.00001; ExAC 0.00001.
gnomAD v4.1: 1 of 1,611,920 alleles (0.000062%); highest among the groups gnomAD compares: Non-Finnish European, 0.000085%; no homozygotes.

Submission:

Labcorp Genetics (formerly Invitae), Labcorp
Classification: Uncertain significance for Dilated cardiomyopathy 1G; Autosomal recessive limb-girdle muscular dystrophy type 2J. Last evaluated: 2022-11-29. Review status: criteria provided, single submitter. Criteria: Invitae Variant Classification Sherloc (09022015). Collection method: clinical testing. Allele origin: germline.
Comment: In summary, the available evidence is currently insufficient to determine the role of this variant in disease. Therefore, it has been classified as a Variant of Uncertain Significance. This variant is located in the A band of TTN (PMID: 25589632). Variants in this region may be relevant for cardiac or neuromuscular disorders (PMID: 25589632, 23975875). Variants that disrupt the consensus splice site are a relatively common cause of aberrant splicing (PMID: 17576681, 9536098). Algorithms developed to predict the effect of sequence changes on RNA splicing suggest that this variant may disrupt the consensus splice site. This variant has not been reported in the literature in individuals affected with TTN-related conditions. This variant is present in population databases (rs773694879, gnomAD 0.0009%). This sequence change falls in intron 257 of the TTN gene. It does not directly change the encoded amino acid sequence of the TTN protein. It affects a nucleotide within the consensus splice site.

Literature cited by the submitters: PubMed 25589632; PubMed 23975875; PubMed 17576681; PubMed 9536098.

NM_001267550.2(TTN):c.48312+5G>A

Genes: TTN-AS1 (TTN antisense RNA 1; plus strand), TTN (titin; minus strand). Cytogenetic location: 2q31.2.
Variant type: single nucleotide variant.
Coding change: c.48312+5G>A on transcript NM_001267550.2 (MANE Select); 5 bases into the intron after coding-DNA position 48312, G replaced by A.
Molecular consequence: intron variant.
Genome position (GRCh38, 1-based): chr2:178,616,474, C>T on the plus strand (G>A on the coding strand, the complement: TTN is on the minus strand). VCF-style: chr2-178616474-C-T. GRCh37 (hg19) VCF-style: chr2-179481201-C-T.
Other names: c.21117+5G>A (NM_003319.4); c.21693+5G>A (NM_133437.4); c.21492+5G>A (NM_133432.3); c.40608+5G>A (NM_133378.4); c.43389+5G>A (NM_001256850.1).
Identifiers: ClinVar variation 1961633 (VCV001961633.5), dbSNP rs773694879, ClinGen allele CA1994870.
Genomic context (GRCh38, chr2:178,616,474, plus strand): 5'-CCCAACCTTCTGGGATTTCCCCTACTCTCATTTTTGGCATTGATGCAGTGCTGCTCAAAA[C>T]TCACTTTAGTCCATGTTTTCCGGCTGACTTCTCGTTTTTCAACAACGTATCCAGTTAACG-3'